The following is an entry in ClinVar:

NM_015295.3(SMCHD1):c.5887C>G (p.Pro1963Ala)

Gene: SMCHD1 (structural maintenance of chromosomes flexible hinge domain containing 1; plus strand). Cytogenetic location: 18p11.32.
Variant type: single nucleotide variant.
Coding change: c.5887C>G on transcript NM_015295.3 (MANE Select); coding-DNA position 5887, C replaced by G.
Protein change: p.Pro1963Ala; replaces proline 1963 with alanine.
Molecular consequence: missense variant.
Genome position (GRCh38, 1-based): chr18:2,796,415, C>G. VCF-style: chr18-2796415-C-G. GRCh37 (hg19) VCF-style: chr18-2796413-C-G.
Other names: c.5887C>G (NM_015295.2); short protein forms P1963A.
Identifiers: ClinVar variation 499194 (VCV000499194.16), dbSNP rs1345578577, ClinGen allele CA401691464.

ClinVar aggregate classification (germline): Uncertain significance. Review status: criteria provided, multiple submitters, no conflicts (2 of 4 stars). 5 submissions from 5 submitters: Uncertain significance (5). Last evaluated 2025-08-06.

Conditions:
SMCHD1-related disorder. Also called: SMCHD1-related condition.
Inborn genetic diseases. Identifiers: MedGen C0950123, MeSH D030342.
Facioscapulohumeral muscular dystrophy 2 (FSHD2). Also called: MUSCULAR DYSTROPHY, FACIOSCAPULOHUMERAL, TYPE 1B; FACIOSCAPULOHUMERAL MUSCULAR DYSTROPHY 2, DIGENIC; FSHD2, DIGENIC. Identifiers: Orphanet 269, MedGen C1834671, MONDO:0008031, OMIM 158901.

Allele frequency attached by ClinVar (database versions not stated): gnomAD 0.00001; TOPMed 0.00001; gnomAD exomes 0.00003.
gnomAD v4.1: 49 of 1,584,104 alleles (0.0031%); highest among the groups gnomAD compares: Non-Finnish European, 0.004%; no homozygotes.

Submissions (5):

PreventionGenetics, part of Exact Sciences
Classification: Uncertain significance for SMCHD1-related condition. Last evaluated: 2025-08-06. Review status: criteria provided, single submitter. Criteria: ACMG Guidelines, 2015. Collection method: clinical testing. Allele origin: germline.
Comment: The SMCHD1 c.5887C>G variant is predicted to result in the amino acid substitution p.Pro1963Ala. To our knowledge, this variant has not been reported in the literature or in a large population database (gnomAD), indicating this variant is rare. At this time, the clinical significance of this variant is uncertain due to the absence of conclusive functional and genetic evidence.

Labcorp Genetics (formerly Invitae), Labcorp
Classification: Uncertain significance for Facioscapulohumeral muscular dystrophy 2. Last evaluated: 2024-04-03. Review status: criteria provided, single submitter. Criteria: Invitae Variant Classification Sherloc (09022015). Collection method: clinical testing. Allele origin: germline.
Comment: This sequence change replaces proline, which is neutral and non-polar, with alanine, which is neutral and non-polar, at codon 1963 of the SMCHD1 protein (p.Pro1963Ala). This variant is not present in population databases (gnomAD no frequency). This variant has not been reported in the literature in individuals affected with SMCHD1-related conditions. ClinVar contains an entry for this variant (Variation ID: 499194). Advanced modeling of protein sequence and biophysical properties (such as structural, functional, and spatial information, amino acid conservation, physicochemical variation, residue mobility, and thermodynamic stability) performed at Invitae indicates that this missense variant is not expected to disrupt SMCHD1 protein function with a negative predictive value of 80%. In summary, the available evidence is currently insufficient to determine the role of this variant in disease. Therefore, it has been classified as a Variant of Uncertain Significance.

Ambry Genetics
Classification: Uncertain significance for Inborn genetic diseases. Last evaluated: 2023-04-25. Review status: criteria provided, single submitter. Criteria: Ambry Variant Classification Scheme 2023. Collection method: clinical testing. Allele origin: germline.

Blueprint Genetics
Classification: Uncertain significance. Last evaluated: 2018-02-13. Review status: criteria provided, single submitter. Criteria: ACMG Guidelines, 2015. Collection method: clinical testing. Allele origin: germline.

Eurofins Ntd Llc (ga)
Classification: Uncertain significance. Last evaluated: 2017-11-10. Review status: criteria provided, single submitter. Criteria: EGL Classification Definitions 2015. Collection method: clinical testing. Allele origin: germline. Observed: 2 variant alleles, 2 heterozygotes.